The following is an entry in ClinVar:

NM_000217.3(KCNA1):c.884G>A (p.Arg295His)

Gene: KCNA1 (potassium voltage-gated channel subfamily A member 1; plus strand). Cytogenetic location: 12p13.32.
Variant type: single nucleotide variant.
Coding change: c.884G>A on transcript NM_000217.3 (MANE Select); coding-DNA position 884, G replaced by A.
Protein change: p.Arg295His; replaces arginine 295 with histidine.
Molecular consequence: missense variant.
Genome position (GRCh38, 1-based): chr12:4,912,262, G>A. VCF-style: chr12-4912262-G-A. GRCh37 (hg19) VCF-style: chr12-5021428-G-A.
Other names: short protein forms R295H.
Identifiers: ClinVar variation 586092 (VCV000586092.14), dbSNP rs778463081, ClinGen allele CA383455553.

ClinVar aggregate classification (germline): Conflicting classifications of pathogenicity. Review status: criteria provided, conflicting classifications (1 of 4 stars). 5 submissions from 5 submitters: Likely pathogenic (1); Uncertain significance (4). Last evaluated 2026-03-01.

Conditions:
Hereditary ataxia. Also called: Hereditary Ataxias. Identifiers: Orphanet 183518, MedGen C0004138, MONDO:0100309, MONDO:0000557.
Episodic ataxia type 1 (EA1). Also called: ATAXIA, EPISODIC, WITH MYOKYMIA; MYOKYMIA WITH PERIODIC ATAXIA; PAROXYSMAL ATAXIA WITH NEUROMYOTONIA, HEREDITARY; Episodic ataxia/myokymia syndrome. Identifiers: Orphanet 37612, Orphanet 972, MedGen C1719788, MONDO:0008047, OMIM 160120.

Submissions (5):

CeGaT Center for Human Genetics Tuebingen
Classification: Likely pathogenic. Last evaluated: 2026-03-01. Review status: criteria provided, single submitter. Criteria: CeGaT Center For Human Genetics Tuebingen Variant Classification Criteria Version 2. Collection method: clinical testing. Allele origin: germline. Affected: yes. Observed: 1 variant allele.
Comment: KCNA1: PM2, PM5, PP3, PS4:Supporting

GeneDx
Classification: Uncertain significance. Last evaluated: 2024-07-14. Review status: criteria provided, single submitter. Criteria: GeneDx Variant Classification Process June 2021. Collection method: clinical testing. Allele origin: germline. Affected: yes.
Comment: Identified heterozygous by whole exome sequencing in an individual with moderate to severe cerebellar atrophy, brisk lower limb reflexes, clonus, slow speech, and learning difficulties (PMID: 33879512); In silico analysis supports that this missense variant has a deleterious effect on protein structure/function; Not observed at significant frequency in large population cohorts (gnomAD); This variant is associated with the following publications: (PMID: 33879512)

Labcorp Genetics (formerly Invitae), Labcorp
Classification: Uncertain significance for Episodic ataxia type 1. Last evaluated: 2020-12-08. Review status: criteria provided, single submitter. Criteria: Invitae Variant Classification Sherloc (09022015). Collection method: clinical testing. Allele origin: germline.
Comment: In summary, the available evidence is currently insufficient to determine the role of this variant in disease. Therefore, it has been classified as a Variant of Uncertain Significance. Advanced modeling of protein sequence and biophysical properties (such as structural, functional, and spatial information, amino acid conservation, physicochemical variation, residue mobility, and thermodynamic stability) performed at Invitae indicates that this missense variant is expected to disrupt KCNA1 protein function. This variant has not been reported in the literature in individuals with KCNA1-related conditions. ClinVar contains an entry for this variant (Variation ID: 586092). This variant is not present in population databases (ExAC no frequency). This sequence change replaces arginine with histidine at codon 295 of the KCNA1 protein (p.Arg295His). The arginine residue is highly conserved and there is a small physicochemical difference between arginine and histidine.

Cambridge Genomics Laboratory, East Genomic Laboratory Hub, NHS Genomic Medicine Service
Classification: Uncertain significance for Hereditary ataxia. Last evaluated: 2020-03-30. Review status: criteria provided, single submitter. Criteria: ACGS Best Practice Guidelines for Variant Classification in Rare Disease 2020. Collection method: clinical testing. Allele origin: germline. Affected: yes. Observed: 1 variant allele.

Athena Diagnostics
Classification: Uncertain significance. Last evaluated: 2017-09-11. Review status: criteria provided, single submitter. Criteria: Athena Diagnostics Criteria. Collection method: clinical testing. Allele origin: germline.